The following is an entry in ClinVar:

ClinVar aggregate classification (germline): Conflicting classifications of pathogenicity. Review status: criteria provided, conflicting classifications (1 of 4 stars). 6 submissions from 6 submitters: Uncertain significance (4); Benign (1); Likely benign (1). Last evaluated 2026-01-24.

Conditions:
OTOF-related disorder. Also called: OTOF-related condition.
Autosomal recessive nonsyndromic hearing loss 9. Also called: AUDITORY NEUROPATHY, AUTOSOMAL RECESSIVE, 1, TEMPERATURE-SENSITIVE; Deafness, autosomal recessive 9; OTOF-Related Hearing Loss; NEUROSENSORY NONSYNDROMIC RECESSIVE DEAFNESS 9. Identifiers: Orphanet 90636, MedGen C1832828, MONDO:0010986, OMIM 601071.

Allele frequency attached by ClinVar (database versions not stated): gnomAD exomes 0.00003 and 0.00014; ExAC 0.00016; TOPMed 0.00056; gnomAD 0.00057 and 0.00059; 1000 Genomes Project 0.00060; 1000 Genomes Project 30x 0.00062; ESP Exome Variant Server 0.00069.
gnomAD v4.1: 137 of 1,613,906 alleles (0.0085%); highest among the groups gnomAD compares: African/African-American, 0.16%; no homozygotes.

Submissions (6):

Labcorp Genetics (formerly Invitae), Labcorp
Classification: Benign. Last evaluated: 2026-01-24. Review status: criteria provided, single submitter. Criteria: Invitae Variant Classification Sherloc (09022015). Collection method: clinical testing. Allele origin: germline.

PreventionGenetics, part of Exact Sciences
Classification: Likely benign for OTOF-related condition. Last evaluated: 2025-01-28. Review status: criteria provided, single submitter. Criteria: ACMG Guidelines, 2015. Collection method: clinical testing. Allele origin: germline.
Comment: This variant is classified as likely benign based on ACMG/AMP sequence variant interpretation guidelines (Richards et al. 2015 PMID: 25741868, with internal and published modifications).

Blueprint Genetics
Classification: Uncertain significance. Last evaluated: 2024-10-16. Review status: criteria provided, single submitter. Criteria: ACMG Guidelines, 2015. Collection method: clinical testing. Allele origin: germline.

GeneDx
Classification: Uncertain significance. Last evaluated: 2022-05-03. Review status: criteria provided, single submitter. Criteria: GeneDx Variant Classification Process June 2021. Collection method: clinical testing. Allele origin: germline. Affected: yes.
Comment: In silico analysis supports that this missense variant does not alter protein structure/function; Has not been previously published as pathogenic or benign to our knowledge

Fulgent Genetics
Classification: Uncertain significance for Autosomal recessive nonsyndromic hearing loss 9. Last evaluated: 2018-10-31. Review status: criteria provided, single submitter. Criteria: ACMG Guidelines, 2015. Collection method: clinical testing. Allele origin: unknown.

Laboratory for Molecular Medicine, Mass General Brigham Personalized Medicine
Classification: Uncertain significance. Last evaluated: 2017-03-31. Review status: criteria provided, single submitter. Criteria: LMM Criteria. Collection method: clinical testing. Allele origin: germline. Observed: 4 variant alleles.
Comment: The p.Asp1406Asn variant in OTOF has been previously identified by our laborator y in 3 individuals hearing loss who all also have the p.Ile637Thr variant of unc ertain significance, suggesting that these two variants may occur in cis (on the same allele). One of those individuals was reported to have auditory neuropathy /dys-synchrony and carried additional OTOF variants that were likely causative f or the hearing loss. This variant has been identified in 0.2% (19/10402) of Afri can chromosomes by the Exome Aggregation Consortium (ExAC; dbSNP rs111033352). Computational prediction tools and conservation a nalyses do not provide strong support for or against an impact to the protein. I n summary, the clinical significance of the p.Asp1406Asn variant is uncertain.

NM_194248.3(OTOF):c.4216G>A (p.Asp1406Asn)

Gene: OTOF (otoferlin; minus strand). Cytogenetic location: 2p23.3.
Variant type: single nucleotide variant.
Coding change: c.4216G>A on transcript NM_194248.3 (MANE Select); coding-DNA position 4216, G replaced by A.
Protein change: p.Asp1406Asn; replaces aspartic acid 1406 with asparagine.
Molecular consequence: missense variant.
Genome position (GRCh38, 1-based): chr2:26,467,376, C>T on the plus strand (G>A on the coding strand, the complement: OTOF is on the minus strand). VCF-style: chr2-26467376-C-T. GRCh37 (hg19) VCF-style: chr2-26690244-C-T.
Other names: c.4216G>A, p.Asp1406Asn (NM_001287489.2); c.1915G>A, p.Asp639Asn (NM_004802.4, NM_194323.3); c.2146G>A, p.Asp716Asn (NM_194322.3); short protein forms D1406N, D639N, D716N.
Identifiers: ClinVar variation 48230 (VCV000048230.17), dbSNP rs111033352, ClinGen allele CA142880.